The following is an entry in ClinVar:

NM_172364.5(CACNA2D4):c.1673A>G (p.Asn558Ser)

Gene: CACNA2D4 (calcium voltage-gated channel auxiliary subunit alpha2delta 4; minus strand). Cytogenetic location: 12p13.33.
Variant type: single nucleotide variant.
Coding change: c.1673A>G on transcript NM_172364.5 (MANE Select); coding-DNA position 1673, A replaced by G.
Protein change: p.Asn558Ser; replaces asparagine 558 with serine.
Molecular consequence: missense variant.
Genome position (GRCh38, 1-based): chr12:1,878,361, T>C on the plus strand (A>G on the coding strand, the complement: CACNA2D4 is on the minus strand). VCF-style: chr12-1878361-T-C. GRCh37 (hg19) VCF-style: chr12-1987527-T-C.
Other names: short protein forms N558S.
Identifiers: ClinVar variation 1010597 (VCV001010597.9), dbSNP rs770810242, ClinGen allele CA6387033.

ClinVar aggregate classification (germline): Uncertain significance. Review status: criteria provided, multiple submitters, no conflicts (2 of 4 stars). 2 submissions from 2 submitters: Uncertain significance (2). Last evaluated 2023-08-27.

Allele frequency attached by ClinVar (database versions not stated): TOPMed below 0.00001; gnomAD 0.00002; gnomAD exomes 0.00002; ExAC 0.00004.
gnomAD v4.1: 26 of 1,608,520 alleles (0.0016%); highest among the groups gnomAD compares: Non-Finnish European, 0.0021%; no homozygotes.

Submissions (2):

Labcorp Genetics (formerly Invitae), Labcorp
Classification: Uncertain significance. Last evaluated: 2023-08-27. Review status: criteria provided, single submitter. Criteria: Invitae Variant Classification Sherloc (09022015). Collection method: clinical testing. Allele origin: germline.
Comment: This sequence change replaces asparagine, which is neutral and polar, with serine, which is neutral and polar, at codon 558 of the CACNA2D4 protein (p.Asn558Ser). This variant is present in population databases (rs770810242, gnomAD 0.003%). This variant has not been reported in the literature in individuals affected with CACNA2D4-related conditions. ClinVar contains an entry for this variant (Variation ID: 1010597). Algorithms developed to predict the effect of missense changes on protein structure and function output the following: SIFT: "Not Available"; PolyPhen-2: "Benign"; Align-GVGD: "Not Available". The serine amino acid residue is found in multiple mammalian species, which suggests that this missense change does not adversely affect protein function. In summary, the available evidence is currently insufficient to determine the role of this variant in disease. Therefore, it has been classified as a Variant of Uncertain Significance.

Blueprint Genetics
Classification: Uncertain significance. Last evaluated: 2021-08-12. Review status: criteria provided, single submitter. Criteria: ACMG Guidelines, 2015. Collection method: clinical testing. Allele origin: germline.